The following is an entry in ClinVar:

NM_004006.3(DMD):c.3841T>C (p.Trp1281Arg)

Gene: DMD (dystrophin; minus strand). Cytogenetic location: Xp21.1.
Variant type: single nucleotide variant.
Coding change: c.3841T>C on transcript NM_004006.3 (MANE Select); coding-DNA position 3841, T replaced by C.
Protein change: p.Trp1281Arg; replaces tryptophan 1281 with arginine.
Molecular consequence: missense variant.
Genome position (GRCh38, 1-based): chrX:32,441,260, A>G on the plus strand (T>C on the coding strand, the complement: DMD is on the minus strand). VCF-style: chrX-32441260-A-G. GRCh37 (hg19) VCF-style: chrX-32459377-A-G.
Other names: c.3817T>C, p.Trp1273Arg (NM_000109.4); c.3829T>C, p.Trp1277Arg (NM_004009.3); c.3472T>C, p.Trp1158Arg (NM_004010.3); short protein forms W1281R, W1273R, W1277R, W1158R.
Identifiers: ClinVar variation 286420 (VCV000286420.7), dbSNP rs886043387, ClinGen allele CA10605458.

ClinVar aggregate classification (germline): Uncertain significance. Review status: criteria provided, multiple submitters, no conflicts (2 of 4 stars). 2 submissions from 2 submitters: Uncertain significance (2). Last evaluated 2024-08-20.

Conditions:
Duchenne muscular dystrophy (DMD). Also called: Duchenne Muscular Dystrophy (DMD); MUSCULAR DYSTROPHY, PSEUDOHYPERTROPHIC PROGRESSIVE, DUCHENNE TYPE. Identifiers: Orphanet 98896, MedGen C0013264, MONDO:0010679, OMIM 310200.

Submissions (2):

Labcorp Genetics (formerly Invitae), Labcorp
Classification: Uncertain significance for Duchenne muscular dystrophy. Last evaluated: 2024-08-20. Review status: criteria provided, single submitter. Criteria: Invitae Variant Classification Sherloc (09022015). Collection method: clinical testing. Allele origin: germline.
Comment: This sequence change replaces tryptophan, which is neutral and slightly polar, with arginine, which is basic and polar, at codon 1281 of the DMD protein (p.Trp1281Arg). This variant is not present in population databases (gnomAD no frequency). This variant has not been reported in the literature in individuals affected with DMD-related conditions. ClinVar contains an entry for this variant (Variation ID: 286420). Invitae Evidence Modeling of protein sequence and biophysical properties (such as structural, functional, and spatial information, amino acid conservation, physicochemical variation, residue mobility, and thermodynamic stability) indicates that this missense variant is not expected to disrupt DMD protein function with a negative predictive value of 95%. In summary, the available evidence is currently insufficient to determine the role of this variant in disease. Therefore, it has been classified as a Variant of Uncertain Significance.

Eurofins Ntd Llc (ga)
Classification: Uncertain significance. Last evaluated: 2016-03-31. Review status: criteria provided, single submitter. Criteria: EGL Classification Definitions 2015. Collection method: clinical testing. Allele origin: germline. Observed: 2 variant alleles, 1 heterozygote, 1 hemizygote.